The following is an entry in ClinVar:

ClinVar aggregate classification (germline): Uncertain significance (1 of 4 stars; one submission).

Conditions:
Dyskeratosis congenita, autosomal recessive 5 (DKCB5). Identifiers: MedGen C3554656, MONDO:0014076, OMIM 615190.
Pulmonary fibrosis and/or bone marrow failure, Telomere-related, 3. Also called: PULMONARY FIBROSIS AND/OR BONE MARROW FAILURE SYNDROME, TELOMERE-RELATED, 3. Identifiers: Orphanet 2032, MedGen C4225346, MONDO:0014613, OMIM 616373.

Allele frequency attached by ClinVar (database versions not stated): gnomAD 0.00001; TOPMed 0.00001; gnomAD exomes 0.00002.
gnomAD v4.1: 32 of 1,607,482 alleles (0.002%); highest among the groups gnomAD compares: African/African-American, 0.0027%; no homozygotes.

Submission:

Labcorp Genetics (formerly Invitae), Labcorp
Classification: Uncertain significance for Dyskeratosis congenita, autosomal recessive 5; Pulmonary fibrosis and/or bone marrow failure, Telomere-related, 3. Last evaluated: 2022-08-10. Review status: criteria provided, single submitter. Criteria: Invitae Variant Classification Sherloc (09022015). Collection method: clinical testing. Allele origin: germline.
Comment: This sequence change falls in intron 3 of the RTEL1 gene. It does not directly change the encoded amino acid sequence of the RTEL1 protein. It affects a nucleotide within the consensus splice site. This variant is present in population databases (no rsID available, gnomAD 0.008%). This variant has not been reported in the literature in individuals affected with RTEL1-related conditions. Variants that disrupt the consensus splice site are a relatively common cause of aberrant splicing (PMID: 17576681, 9536098). Algorithms developed to predict the effect of sequence changes on RNA splicing suggest that this variant is not likely to affect RNA splicing. In summary, the available evidence is currently insufficient to determine the role of this variant in disease. Therefore, it has been classified as a Variant of Uncertain Significance.

Literature cited by the submitters: PubMed 17576681; PubMed 9536098.

NM_001283009.2(RTEL1):c.301+5C>T

Genes: RTEL1 (regulator of telomere elongation helicase 1; plus strand), RTEL1-TNFRSF6B (RTEL1-TNFRSF6B readthrough (NMD candidate); plus strand). Cytogenetic location: 20q13.33.
Variant type: single nucleotide variant.
Coding change: c.301+5C>T on transcript NM_001283009.2 (MANE Select); 5 bases into the intron after coding-DNA position 301, C replaced by T.
Molecular consequence: intron variant.
Genome position (GRCh38, 1-based): chr20:63,661,501, C>T. VCF-style: chr20-63661501-C-T. GRCh37 (hg19) VCF-style: chr20-62292854-C-T.
Other names: c.-369+5C>T (NM_001283010.1); c.301+5C>T (NM_032957.5, NM_016434.4).
Identifiers: ClinVar variation 2156892 (VCV002156892.1), dbSNP rs906069055, ClinGen allele CA317497741.